The following is an entry in ClinVar:

ClinVar aggregate classification (germline): Pathogenic. Review status: criteria provided, multiple submitters, no conflicts (2 of 4 stars). 5 submissions from 5 submitters: Pathogenic (4). 1 of the submissions does not count toward it. Last evaluated 2024-10-18.

Conditions:
Deficiency of aromatic-L-amino-acid decarboxylase. Also called: AADC DEFICIENCY; DDC DEFICIENCY; DOPA DECARBOXYLASE DEFICIENCY; Aromatic amino acid decarboxylase deficiency; Aromatic L-Amino Acid Decarboxylase Deficiency. Identifiers: Orphanet 35708, MedGen C1291564, MONDO:0012084, OMIM 608643.

Allele frequency attached by ClinVar (database versions not stated): gnomAD exomes below 0.00001; TOPMed below 0.00001; gnomAD 0.00001.
gnomAD v4.1: 3 of 1,613,494 alleles (0.00019%); highest among the groups gnomAD compares: African/African-American, 0.0027%; no homozygotes.

Submissions (5):

Women's Health and Genetics/Laboratory Corporation of America, LabCorp
Classification: Pathogenic for Deficiency of aromatic-L-amino-acid decarboxylase. Last evaluated: 2024-10-18. Review status: criteria provided, single submitter. Criteria: LabCorp Variant Classification Summary - May 2015. Collection method: clinical testing. Allele origin: germline.
Comment: Variant summary: DDC c.304G>A (p.Gly102Ser) results in a non-conservative amino acid change in the encoded protein sequence. Four of five in-silico tools predict a damaging effect of the variant on protein function. The variant allele was found at a frequency of 4e-06 in 250496 control chromosomes. c.304G>A has been reported in the literature in multiple homozygous individuals affected with Deficiency Of Aromatic-L-Amino-Acid Decarboxylase (e.g. Chang_2005). These data indicate that the variant is very likely to be associated with disease. At least one publication reports experimental evidence evaluating an impact on protein function, showing <10% of normal enzyme activity (e.g. Chang_2005). The following publication has been ascertained in the context of this evaluation (PMID: 14991824). ClinVar contains an entry for this variant (Variation ID: 17809). Based on the evidence outlined above, the variant was classified as pathogenic.

Revvity Omics, Revvity
Classification: Pathogenic for Deficiency of aromatic-L-amino-acid decarboxylase. Last evaluated: 2022-12-20. Review status: criteria provided, single submitter. Criteria: ACMG Guidelines, 2015. Collection method: clinical testing. Allele origin: germline.

Labcorp Genetics (formerly Invitae), Labcorp
Classification: Pathogenic for Deficiency of aromatic-L-amino-acid decarboxylase. Last evaluated: 2022-09-21. Review status: criteria provided, single submitter. Criteria: Invitae Variant Classification Sherloc (09022015). Collection method: clinical testing. Allele origin: germline.
Comment: This missense change has been observed in individuals with aromatic L-amino acid decarboxylase deficiency (PMID: 9789536, 14991824, 28856607, 32409695). It has also been observed to segregate with disease in related individuals. Advanced modeling of protein sequence and biophysical properties (such as structural, functional, and spatial information, amino acid conservation, physicochemical variation, residue mobility, and thermodynamic stability) has been performed at Invitae for this missense variant, however the output from this modeling did not meet the statistical confidence thresholds required to predict the impact of this variant on DDC protein function. Experimental studies have shown that this missense change affects DDC function (PMID: 21541720, 24865461). For these reasons, this variant has been classified as Pathogenic. This variant is present in population databases (rs137853207, gnomAD 0.003%). This sequence change replaces glycine, which is neutral and non-polar, with serine, which is neutral and polar, at codon 102 of the DDC protein (p.Gly102Ser).

Institute of Human Genetics Munich, TUM University Hospital
Classification: Pathogenic for Deficiency of aromatic-L-amino-acid decarboxylase. Last evaluated: 2019-07-04. Review status: criteria provided, single submitter. Criteria: Classification criteria August 2017. Collection method: clinical testing. Allele origin: germline. Inheritance: Autosomal recessive inheritance. Affected: yes. Observed: 1 homozygote.

OMIM
Classification: Pathogenic for AROMATIC L-AMINO ACID DECARBOXYLASE DEFICIENCY. Last evaluated: 2010-07-06. Review status: no assertion criteria provided. Collection method: literature only. Allele origin: germline. Not counted in ClinVar's aggregate classification.

Literature cited by the submitters: PubMed 14991824 (cited by Women's Health and Genetics/Laboratory Corporation of America, LabCorp and Labcorp Genetics (formerly Invitae), Labcorp); PubMed 9789536 (cited by Labcorp Genetics (formerly Invitae), Labcorp); PubMed 28856607 (cited by Labcorp Genetics (formerly Invitae), Labcorp); PubMed 32409695 (cited by Labcorp Genetics (formerly Invitae), Labcorp); PubMed 21541720 (cited by Labcorp Genetics (formerly Invitae), Labcorp); PubMed 24865461 (cited by Labcorp Genetics (formerly Invitae), Labcorp); Chang, Y. T., Mues, G., McPherson, J. D., Bedell, J., Marsh, J. L., Hyland, K., Courtwright, K. H., Summers, J. W. Mutations in the human aromatic L-amino acid decarboxylase gene. (Abstract) J. Inherit. Metab. Dis. 21: 4-only, 1998. (cited by OMIM); Hyland, K., Chang, Y. T., Arnold, L. A., Brautigam, C., Sharma, R. K., Hoffmann, G., Courtwright, K. H., Summers, J. W. Aromatic L-amino acid decarboxylase deficiency responsive to levodopa: identification of an active site glycine in exon three. (Abstract) J. Inherit. Metab. Dis. 21: 4-only, 1998. (cited by OMIM); PubMed 20505134 (cited by OMIM).

NM_001082971.2(DDC):c.304G>A (p.Gly102Ser)

Genes: DDC (dopa decarboxylase; minus strand), DDC-AS1 (DDC antisense RNA 1; plus strand). Cytogenetic location: 7p12.1.
Variant type: single nucleotide variant.
Coding change: c.304G>A on transcript NM_001082971.2 (MANE Select); coding-DNA position 304, G replaced by A.
Protein change: p.Gly102Ser; replaces glycine 102 with serine.
Molecular consequence: missense variant. On other transcripts: non-coding transcript variant (1), intron variant (2).
Genome position (GRCh38, 1-based): chr7:50,539,926, C>T on the plus strand (G>A on the coding strand, the complement: DDC is on the minus strand). VCF-style: chr7-50539926-C-T. GRCh37 (hg19) VCF-style: chr7-50607624-C-T.
Other names: c.304G>A, p.Gly102Ser (NM_000790.4, NM_001242887.2, NM_001242889.2 and 1 more transcripts); c.201+3959G>A (NM_001242888.2); c.202-1947G>A (NM_001242886.2); short protein forms G102S.
Identifiers: ClinVar variation 17809 (VCV000017809.15), dbSNP rs137853207, ClinGen allele CA127442.